The following is an entry in ClinVar:

ClinVar aggregate classification (germline): Uncertain significance (1 of 4 stars; one submission).

gnomAD v4.1: 1 of 1,608,210 alleles (0.000062%); highest among the groups gnomAD compares: Non-Finnish European, 0.000085%; no homozygotes.

Submission:

Mayo Clinic Laboratories, Mayo Clinic
Classification: Uncertain significance. Last evaluated: 2024-01-29. Review status: criteria provided, single submitter. Criteria: ACMG Guidelines, 2015. Collection method: clinical testing. Allele origin: germline. Observed: 1 variant allele.
Comment: BP4

NM_198576.4(AGRN):c.1477G>A (p.Ala493Thr)

Gene: AGRN (agrin; plus strand). Cytogenetic location: 1p36.33.
Variant type: single nucleotide variant.
Coding change: c.1477G>A on transcript NM_198576.4 (MANE Select); coding-DNA position 1477, G replaced by A.
Protein change: p.Ala493Thr; replaces alanine 493 with threonine.
Molecular consequence: missense variant.
Genome position (GRCh38, 1-based): chr1:1,043,331, G>A. VCF-style: chr1-1043331-G-A. GRCh37 (hg19) VCF-style: chr1-978711-G-A.
Other names: p.Ala493Thr; c.1477G>A, p.Ala493Thr (NM_001305275.2); c.1162G>A, p.Ala388Thr (NM_001364727.2); short protein forms A388T, A493T.
Identifiers: ClinVar variation 3379981 (VCV003379981.1).
Genomic context (GRCh38, chr1:1,043,331, plus strand): 5'-TGTGCATTTGGGGCGACGTGTGCTGTGAAGAACGGGCAGGCAGCGTGTGAATGCCTGCAG[G>A]CGTGCTCGAGCCTCTACGATCCTGTGTGCGGCAGCGACGGCGTCACATACGGCAGCGCGT-3'
Protein context (NP_940978.2, residues 483-503): NGQAACECLQ[Ala493Thr]CSSLYDPVCG